The following is an entry in ClinVar:

NC_012920.1(MT-ND4):m.11634G>A

Gene: MT-ND4 (mitochondrially encoded NADH dehydrogenase 4; plus strand).
Variant type: single nucleotide variant.
Genome position: chrM-11634-G-A.
Identifiers: ClinVar variation 693374 (VCV000693374.1), dbSNP rs1603223368, ClinGen allele CA414810619.

ClinVar aggregate classification (germline): Uncertain significance (1 of 4 stars; one submission).

Conditions:
Leigh syndrome (NULS). Also called: Leigh's necrotizing encephalopathy; Leigh's disease; Leigh Syndrome (mtDNA deletion); Leigh Disease; Subacute necrotizing encephalopathy; Necrotizing encephalopathy infantile subacute of Leigh. Identifiers: Orphanet 506, MedGen C2931891, MONDO:0009723, OMIM 256000.

Submission:

Wong Mito Lab, Molecular and Human Genetics, Baylor College of Medicine
Classification: Uncertain significance for Leigh syndrome. Last evaluated: 2019-10-17. Review status: criteria provided, single submitter. Criteria: Modified ACMG Guidelines (Unpublished). Collection method: clinical testing. Allele origin: germline.
Comment: The NC_012920.1:m.11634G>A (YP_003024035.1:p.Ser292Asn) variant in MTND4 gene is interpretated to be a Uncertain Significance variant based on the modified ACMG guidelines (unpublished). This variant meets the following evidence codes: PP3, PP7